The following is an entry in ClinVar:

NM_001267550.2(TTN):c.47581A>T (p.Ser15861Cys)

Genes: TTN (titin; minus strand), TTN-AS1 (TTN antisense RNA 1; plus strand). Cytogenetic location: 2q31.2.
Variant type: single nucleotide variant.
Coding change: c.47581A>T on transcript NM_001267550.2 (MANE Select); coding-DNA position 47581, A replaced by T.
Protein change: p.Ser15861Cys; replaces serine 15861 with cysteine.
Molecular consequence: missense variant.
Genome position (GRCh38, 1-based): chr2:178,617,504, T>A on the plus strand (A>T on the coding strand, the complement: TTN is on the minus strand). VCF-style: chr2-178617504-T-A. GRCh37 (hg19) VCF-style: chr2-179482231-T-A.
Other names: c.42658A>T, p.Ser14220Cys (NM_001256850.1); c.20386A>T, p.Ser6796Cys (NM_003319.4); c.39877A>T, p.Ser13293Cys (NM_133378.4); c.20761A>T, p.Ser6921Cys (NM_133432.3); c.20962A>T, p.Ser6988Cys (NM_133437.4); short protein forms S13293C, S14220C, S15861C, S6796C, S6921C, S6988C.
Identifiers: ClinVar variation 4849072 (VCV004849072.1).
Genomic context (GRCh38, chr2:178,617,504, plus strand): 5'-CCCATTTGAGCTGAACTGATGACTGAGTCTGATCTGAGGAAGTTAGGTTTACAGGAGGAC[T>A]TGGTCTCTCTGGAATAAAAGAAGGAGTTGGAGCATACCATTTACGTTAGTGACAATTTAT-3'
Protein context (NP_001254479.2, residues 15851-15871): VKVADPIERP[Ser15861Cys]PPVNLTSSDQ

ClinVar aggregate classification (germline): Uncertain significance (1 of 4 stars; one submission).

gnomAD v4.1: 3 of 1,583,666 alleles (0.00019%); highest among the groups gnomAD compares: Non-Finnish European, 0.00026%; no homozygotes.

Submission:

Women's Health and Genetics/Laboratory Corporation of America, LabCorp
Classification: Uncertain significance. Last evaluated: 2026-04-30. Review status: criteria provided, single submitter. Criteria: LabCorp Variant Classification Summary - May 2015. Collection method: clinical testing. Allele origin: germline.
Comment: Variant summary: TTN c.39877A>T (p.Ser13293Cys) results in a non-conservative amino acid change in the encoded protein sequence. Algorithms developed to predict the effect of missense changes on protein structure and function all suggest that this variant is likely to be disruptive. The variant was absent in 213864 control chromosomes. The available data on variant occurrences in the general population are insufficient to allow any conclusion about variant significance. To our knowledge, no occurrence of c.39877A>T in individuals affected with TTN-related conditions and no experimental evidence demonstrating its impact on protein function have been reported. No submitters have cited clinical-significance assessments for this variant to ClinVar. Based on the evidence outlined above, the variant was classified as uncertain significance.